The following is an entry in ClinVar:

ClinVar aggregate classification (germline): Uncertain significance (1 of 4 stars; one submission).

Conditions:
Landau-Kleffner syndrome (FESD). Also called: APHASIA, ACQUIRED, WITH EPILEPSY; EPILEPSY, FOCAL, WITH SPEECH DISORDER AND WITH OR WITHOUT MENTAL RETARDATION. Identifiers: Orphanet 1945, Orphanet 725, Orphanet 98818, MedGen C0282512, MONDO:0009509, OMIM 245570.

Submission:

Labcorp Genetics (formerly Invitae), Labcorp
Classification: Uncertain significance for Landau-Kleffner syndrome. Last evaluated: 2023-11-24. Review status: criteria provided, single submitter. Criteria: Invitae Variant Classification Sherloc (09022015). Collection method: clinical testing. Allele origin: germline.
Comment: This sequence change replaces methionine, which is neutral and non-polar, with lysine, which is basic and polar, at codon 1167 of the GRIN2A protein (p.Met1167Lys). This variant is not present in population databases (gnomAD no frequency). This variant has not been reported in the literature in individuals affected with GRIN2A-related conditions. Advanced modeling of protein sequence and biophysical properties (such as structural, functional, and spatial information, amino acid conservation, physicochemical variation, residue mobility, and thermodynamic stability) performed at Invitae indicates that this missense variant is not expected to disrupt GRIN2A protein function with a negative predictive value of 95%. In summary, the available evidence is currently insufficient to determine the role of this variant in disease. Therefore, it has been classified as a Variant of Uncertain Significance.

NM_001134407.3(GRIN2A):c.3500T>A (p.Met1167Lys)

Gene: GRIN2A (glutamate ionotropic receptor NMDA type subunit 2A; minus strand). Cytogenetic location: 16p13.2.
Variant type: single nucleotide variant.
Coding change: c.3500T>A on transcript NM_001134407.3 (MANE Select); coding-DNA position 3500, T replaced by A.
Protein change: p.Met1167Lys; replaces methionine 1167 with lysine.
Molecular consequence: missense variant.
Genome position (GRCh38, 1-based): chr16:9,764,044, A>T on the plus strand (T>A on the coding strand, the complement: GRIN2A is on the minus strand). VCF-style: chr16-9764044-A-T. GRCh37 (hg19) VCF-style: chr16-9857901-A-T.
Other names: c.3500T>A, p.Met1167Lys (NM_000833.5, NM_001134408.2); short protein forms M1167K.
Identifiers: ClinVar variation 2698243 (VCV002698243.3), dbSNP rs2141131609, ClinGen allele CA394707503.
Genomic context (GRCh38, chr16:9,764,044, plus strand): 5'-TAGAGTTTATACTGGTCGTTGTTGGAAAGCCCCTCTTCATTATGCAAGGGGTTCCGGTTC[A>T]TTGGCAGCGTGGAGTCCCCCTTGCGGAAGTTTTCACTGGGATCCTGGTAGGGGTCCGGGA-3'
Protein context (NP_001127879.1, residues 1157-1177): NFRKGDSTLP[Met1167Lys]NRNPLHNEEG